The following is an entry in ClinVar:

ClinVar aggregate classification (germline): Uncertain significance (1 of 4 stars; one submission).

Conditions:
Inborn genetic diseases. Identifiers: MedGen C0950123, MeSH D030342.

Submission:

Ambry Genetics
Classification: Uncertain significance for Inborn genetic diseases. Last evaluated: 2025-06-02. Review status: criteria provided, single submitter. Criteria: Ambry Variant Classification Scheme 2023. Collection method: clinical testing. Allele origin: germline.
Comment: The p.Q1474R variant (also known as c.4421A>G), located in coding exon 30 of the ANKRD26 gene, results from an A to G substitution at nucleotide position 4421. The glutamine at codon 1474 is replaced by arginine, an amino acid with highly similar properties. This amino acid position is conserved. In addition, this alteration is predicted to be tolerated by in silico analysis. Based on the available evidence, the clinical significance of this variant remains unclear.

NM_014915.3(ANKRD26):c.4421A>G (p.Gln1474Arg)

Gene: ANKRD26 (ankyrin repeat domain containing 26; minus strand). Cytogenetic location: 10p12.1.
Variant type: single nucleotide variant.
Coding change: c.4421A>G on transcript NM_014915.3 (MANE Select); coding-DNA position 4421, A replaced by G.
Protein change: p.Gln1474Arg; replaces glutamine 1474 with arginine.
Molecular consequence: missense variant.
Genome position (GRCh38, 1-based): chr10:27,017,587, T>C on the plus strand (A>G on the coding strand, the complement: ANKRD26 is on the minus strand). VCF-style: chr10-27017587-T-C. GRCh37 (hg19) VCF-style: chr10-27306516-T-C.
Other names: c.4418A>G, p.Gln1473Arg (NM_001256053.2); short protein forms Q1473R, Q1474R.
Identifiers: ClinVar variation 3914983 (VCV003914983.1).